The following is an entry in ClinVar:

NC_000005.9:g.(?_133956603)_(133959709_?)dup

Gene: SAR1B (secretion associated Ras related GTPase 1B; minus strand). Cytogenetic location: 5q31.1.
Variant type: Duplication.
Identifiers: ClinVar variation 1511171 (VCV001511171.4).

ClinVar aggregate classification (germline): Uncertain significance (1 of 4 stars; one submission).

Submission:

Labcorp Genetics (formerly Invitae), Labcorp
Classification: Uncertain significance. Last evaluated: 2022-10-17. Review status: criteria provided, single submitter. Criteria: Invitae Variant Classification Sherloc (09022015). Collection method: clinical testing. Allele origin: germline.
Comment: This variant results in a copy number gain of the genomic region encompassing exon(s) 3-4 of the SAR1B gene. This region includes the initiator codon of the gene. This copy number gain extends beyond the assayed region for this gene and therefore may encompass additional genes. As the precise location of this event is unknown, it may be in tandem or it may be located elsewhere in the genome. This variant has not been reported in the literature in individuals affected with SAR1B-related conditions. Experimental studies and prediction algorithms are not available or were not evaluated, and the functional significance of this variant is currently unknown. In summary, the available evidence is currently insufficient to determine the role of this variant in disease. Therefore, it has been classified as a Variant of Uncertain Significance.